The following is an entry in ClinVar:

ClinVar aggregate classification (germline): Benign (1 of 4 stars; one submission).

Conditions:
Landau-Kleffner syndrome (FESD). Also called: EPILEPSY, FOCAL, WITH SPEECH DISORDER AND WITH OR WITHOUT MENTAL RETARDATION; APHASIA, ACQUIRED, WITH EPILEPSY. Identifiers: Orphanet 1945, Orphanet 725, Orphanet 98818, MedGen C0282512, MONDO:0009509, OMIM 245570.

Allele frequency attached by ClinVar (database versions not stated): gnomAD 0.01072 and 0.01151; TOPMed 0.01196; 1000 Genomes Project 30x 0.01624; gnomAD exomes 0.00216; 1000 Genomes Project 0.01458.
gnomAD v4.1: 1,726 of 203,830 alleles (0.85%); highest among the groups gnomAD compares: African/African-American, 3.8%; 39 homozygotes.

Submission:

Illumina Laboratory Services, Illumina
Classification: Benign for Landau-Kleffner syndrome. Last evaluated: 2018-01-13. Review status: criteria provided, single submitter. Criteria: ICSL Variant Classification Criteria 13 December 2019. Collection method: clinical testing. Allele origin: germline.
Comment: This variant was observed in the ICSL laboratory as part of a predisposition screen in an ostensibly healthy population. It had not been previously curated by ICSL or reported in the Human Gene Mutation Database (HGMD: prior to June 1st, 2018), and was therefore a candidate for classification through an automated scoring system. Utilizing variant allele frequency, disease prevalence and penetrance estimates, and inheritance mode, an automated score was calculated to assess if this variant is too frequent to cause the disease. Based on the score and internal cut-off values, a variant classified as benign is not then subjected to further curation. The score for this variant resulted in a classification of benign for this disease.

NM_001134407.3(GRIN2A):c.*9632T>A

Gene: GRIN2A (glutamate ionotropic receptor NMDA type subunit 2A; minus strand). Cytogenetic location: 16p13.2.
Variant type: single nucleotide variant.
Coding change: c.*9632T>A on transcript NM_001134407.3 (MANE Select); 9632 bases downstream of the stop codon, T replaced by A.
Molecular consequence: 3 prime UTR variant.
Genome position (GRCh38, 1-based): chr16:9,753,517, A>T on the plus strand (T>A on the coding strand, the complement: GRIN2A is on the minus strand). VCF-style: chr16-9753517-A-T. GRCh37 (hg19) VCF-style: chr16-9847374-A-T.
Other names: c.*9632T>A (NM_000833.5); c.*9838T>A (NM_001134408.2).
Identifiers: ClinVar variation 321459 (VCV000321459.5), dbSNP rs114596802, ClinGen allele CA10648443.